The following is an entry in ClinVar:

ClinVar aggregate classification (germline): Uncertain significance (1 of 4 stars; one submission).

Allele frequency attached by ClinVar (database versions not stated): gnomAD exomes 0.00012; ExAC 0.00013; gnomAD 0.00037; ESP Exome Variant Server 0.00039.

Submission:

Labcorp Genetics (formerly Invitae), Labcorp
Classification: Uncertain significance. Last evaluated: 2025-12-28. Review status: criteria provided, single submitter. Criteria: Invitae Variant Classification Sherloc (09022015). Collection method: clinical testing. Allele origin: germline.
Comment: This sequence change replaces alanine, which is neutral and non-polar, with valine, which is neutral and non-polar, at codon 270 of the ICOSLG protein (p.Ala270Val). This variant is present in population databases (rs200793282, gnomAD 0.1%), and has an allele count higher than expected for a pathogenic variant. This variant has not been reported in the literature in individuals affected with ICOSLG-related conditions. ClinVar contains an entry for this variant (Variation ID: 1355207). An algorithm developed to predict the effect of missense changes on protein structure and function outputs the following: PolyPhen-2: "Possibly Damaging". The valine amino acid residue is found in multiple mammalian species, which suggests that this missense change does not adversely affect protein function. In summary, the available evidence is currently insufficient to determine the role of this variant in disease. Therefore, it has been classified as a Variant of Uncertain Significance.

NM_015259.6(ICOSLG):c.809C>T (p.Ala270Val)

Gene: ICOSLG (inducible T cell costimulator ligand; minus strand). Cytogenetic location: 21q22.3.
Variant type: single nucleotide variant.
Coding change: c.809C>T on transcript NM_015259.6 (MANE Select); coding-DNA position 809, C replaced by T.
Protein change: p.Ala270Val; replaces alanine 270 with valine.
Molecular consequence: missense variant.
Genome position (GRCh38, 1-based): chr21:44,231,333, G>A on the plus strand (C>T on the coding strand, the complement: ICOSLG is on the minus strand). VCF-style: chr21-44231333-G-A. GRCh37 (hg19) VCF-style: chr21-45651216-G-A.
Other names: c.809C>T, p.Ala270Val (NM_001283050.2); c.458C>T, p.Ala153Val (NM_001283051.2); c.554C>T, p.Ala185Val (NM_001283052.2); c.728C>T, p.Ala243Val (NM_001365759.2); short protein forms A185V, A153V, A243V, A270V.
Identifiers: ClinVar variation 1355207 (VCV001355207.6), dbSNP rs200793282, ClinGen allele CA321495753.